The following is an entry in ClinVar:

ClinVar aggregate classification (germline): Conflicting classifications of pathogenicity. Review status: criteria provided, conflicting classifications (1 of 4 stars). 2 submissions from 1 submitter: Uncertain significance (1); Benign (1). Last evaluated 2017-05-03.

Conditions:
Autosomal dominant nonsyndromic hearing loss 17. Also called: Deafness, autosomal dominant 17; Autosomal dominant nonsyndromic deafness 17. Identifiers: Orphanet 90635, MedGen C1863659, MONDO:0011350, OMIM 603622.
MYH9-related disorder. Identifiers: MedGen C1854520.

Allele frequency attached by ClinVar (database versions not stated): gnomAD 0.00007; TOPMed 0.00008; gnomAD exomes 0.00010.
gnomAD v4.1: 64 of 718,250 alleles (0.0089%); highest among the groups gnomAD compares: Non-Finnish European, 0.016%; no homozygotes.

Submissions (2):

Illumina Laboratory Services, Illumina
Classification: Uncertain significance for Autosomal dominant nonsyndromic hearing loss 17. Last evaluated: 2017-05-03. Review status: criteria provided, single submitter. Criteria: ICSL Variant Classification Criteria 13 December 2019. Collection method: clinical testing. Allele origin: germline.
Comment: This variant was observed as part of a predisposition screen in an ostensibly healthy population. A literature search was performed for the gene, cDNA change, and amino acid change (where applicable). Publications were found based on this search. However, the evidence from the literature, in combination with allele frequency data from public databases where available, was not sufficient to rule this variant in or out of causing disease. Therefore, this variant is classified as a variant of unknown significance.

Illumina Laboratory Services, Illumina
Classification: Benign for MYH9-related disorder. Last evaluated: 2017-05-02. Review status: criteria provided, single submitter. Criteria: ICSL Variant Classification Criteria 13 December 2019. Collection method: clinical testing. Allele origin: germline.
Comment: This variant was observed as part of a predisposition screen in an ostensibly healthy population. A literature search was performed for the gene, cDNA change, and amino acid change (where applicable). No publications were found based on this search. Allele frequency data from public databases was too high to be consistent with this variant causing disease. Therefore, this variant is classified as benign.

Literature cited by the submitters: PubMed 23144074.

NM_002473.6(MYH9):c.*195T>C

Gene: MYH9 (myosin heavy chain 9; minus strand). Cytogenetic location: 22q12.3.
Variant type: single nucleotide variant.
Coding change: c.*195T>C on transcript NM_002473.6 (MANE Select); 195 bases downstream of the stop codon, T replaced by C.
Molecular consequence: 3 prime UTR variant.
Genome position (GRCh38, 1-based): chr22:36,282,473, A>G on the plus strand (T>C on the coding strand, the complement: MYH9 is on the minus strand). VCF-style: chr22-36282473-A-G. GRCh37 (hg19) VCF-style: chr22-36678519-A-G.
Identifiers: ClinVar variation 903228 (VCV000903228.4), dbSNP rs771229879, ClinGen allele CA323584872.